The following is an entry in ClinVar:

NM_007294.4(BRCA1):c.4485-15del

Gene: BRCA1 (BRCA1 DNA repair associated; minus strand). Cytogenetic location: 17q21.31.
Variant type: Deletion.
Coding change: c.4485-15del on transcript NM_007294.4 (MANE Select); 15 bases into the intron before coding-DNA position 4485, one base deleted (C; older notation c.4485-15delC).
Molecular consequence: intron variant.
Genome position (GRCh38, 1-based): chr17:43,074,536, G deleted on the plus strand (C on the coding strand, the reverse complement: BRCA1 is on the minus strand); the first of 2 consecutive G bases (chr17:43,074,536-43,074,537); deleting either gives the same sequence. VCF-style (leftmost placement, unchanged base first): chr17-43074535-TG-T. GRCh37 (hg19) VCF-style: chr17-41226552-TG-T.
Other names: c.1032-15del (NM_001408458.1, NM_001408461.1, NM_001408464.1 and 7 more transcripts); c.3594-15del (NM_001407967.1); c.4104-15del (NM_001407959.1); c.4218-15del (NM_001407931.1, NM_001407932.1, NM_001407928.1 and 4 more transcripts); c.4341-15del (NM_001407747.1, NM_001407745.1, NM_001407737.1 and 21 more transcripts); c.4101-15del (NM_001407962.1, NM_001407960.1); c.672-15del (NM_001408512.1); c.795-15del (NM_001408510.1); and 71 more.
Identifiers: ClinVar variation 3386164 (VCV003386164.2).

ClinVar aggregate classification (germline): Likely benign. Review status: criteria provided, multiple submitters, no conflicts (2 of 4 stars). 2 submissions from 2 submitters: Likely benign (2). Last evaluated 2024-02-22.

Conditions:
Hereditary cancer-predisposing syndrome. Also called: Neoplastic Syndromes, Hereditary; Hereditary Cancer Syndrome; Tumor predisposition; Hereditary neoplastic syndrome. Identifiers: Orphanet 140162, MedGen C0027672, MeSH D009386, MONDO:0015356.
BRCA1-related cancer predisposition. Identifiers: MedGen CN377757, MONDO:0700268.

Submissions (2):

All of Us Research Program, National Institutes of Health
Classification: Likely benign for BRCA1-related cancer predisposition. Last evaluated: 2024-02-22. Review status: criteria provided, single submitter. Criteria: ACMG Guidelines, 2015. Collection method: clinical testing. Allele origin: germline. Inheritance: Autosomal dominant inheritance. Observed: 1 variant allele, 1 heterozygote.
Comment: This study involves interpretation of variants in research participants for the purpose of population health screening. Participant phenotype was not available at the time of variant classification. Additional details can be found in publication PMID: 35346344, PMCID: PMC8962531

Color Diagnostics, LLC DBA Color Health
Classification: Likely benign for Hereditary cancer-predisposing syndrome. Last evaluated: 2024-01-30. Review status: criteria provided, single submitter. Criteria: ACMG Guidelines, 2015. Collection method: clinical testing. Allele origin: germline.